The following is an entry in ClinVar:

ClinVar aggregate classification (germline): Likely benign (1 of 4 stars; one submission).

Allele frequency attached by ClinVar (database versions not stated): gnomAD 0.00003; gnomAD exomes 0.00004; TOPMed 0.00005; ExAC 0.00022.
gnomAD v4.1: 64 of 1,614,182 alleles (0.004%); highest among the groups gnomAD compares: Admixed American, 0.058%; no homozygotes.

Submission:

CeGaT Center for Human Genetics Tuebingen
Classification: Likely benign. Last evaluated: 2022-07-01. Review status: criteria provided, single submitter. Criteria: CeGaT Center For Human Genetics Tuebingen Variant Classification Criteria Version 2. Collection method: clinical testing. Allele origin: germline. Affected: yes. Observed: 1 variant allele.
Comment: CFAP57: BP4

NM_001378189.1(CFAP57):c.840G>A (p.Met280Ile)

Genes: CFAP57 (cilia and flagella associated protein 57; plus strand), EBNA1BP2 (EBNA1 binding protein 2; minus strand), LOC105378685 (uncharacterized LOC105378685; minus strand). Cytogenetic location: 1p34.2.
Variant type: single nucleotide variant.
Coding change: c.840G>A on transcript NM_001378189.1 (MANE Select); coding-DNA position 840, G replaced by A.
Protein change: p.Met280Ile; replaces methionine 280 with isoleucine.
Molecular consequence: missense variant.
Genome position (GRCh38, 1-based): chr1:43,185,227, G>A. VCF-style: chr1-43185227-G-A. GRCh37 (hg19) VCF-style: chr1-43650898-G-A.
Other names: c.840G>A, p.Met280Ile (NM_001167965.1, NM_001195831.3, NM_152498.3); short protein forms M280I.
Identifiers: ClinVar variation 2638739 (VCV002638739.24), dbSNP rs769471878, ClinGen allele CA804474.